The following is an entry in ClinVar:

ClinVar aggregate classification (germline): Likely benign (1 of 4 stars; one submission).

gnomAD v4.1: 2 of 1,607,524 alleles (0.00012%); highest among the groups gnomAD compares: Admixed American, 0.0033%; no homozygotes.

Submission:

Mayo Clinic Laboratories, Mayo Clinic
Classification: Likely benign. Last evaluated: 2025-04-14. Review status: criteria provided, single submitter. Criteria: ACMG Guidelines, 2015. Collection method: clinical testing. Allele origin: germline. Observed: 1 variant allele.
Comment: BP4, BP7

NM_033004.4(NLRP1):c.2528+10G>C

Gene: NLRP1 (NLR family pyrin domain containing 1; minus strand). Cytogenetic location: 17p13.2.
Variant type: single nucleotide variant.
Coding change: c.2528+10G>C on transcript NM_033004.4 (MANE Select); 10 bases into the intron after coding-DNA position 2528, G replaced by C.
Molecular consequence: intron variant.
Genome position (GRCh38, 1-based): chr17:5,553,376, C>G on the plus strand (G>C on the coding strand, the complement: NLRP1 is on the minus strand). VCF-style: chr17-5553376-C-G. GRCh37 (hg19) VCF-style: chr17-5456696-C-G.
Other names: p.?; c.2528+10G>C (NM_001033053.3, NM_033007.4, NM_033006.4 and 1 more transcripts).
Identifiers: ClinVar variation 4684185 (VCV004684185.1).